The following is an entry in ClinVar:

NM_000020.3(ACVRL1):c.1378-128G>A

Gene: ACVRL1 (activin A receptor like type 1; plus strand). Cytogenetic location: 12q13.13.
Variant type: single nucleotide variant.
Coding change: c.1378-128G>A on transcript NM_000020.3 (MANE Select); 128 bases into the intron before coding-DNA position 1378, G replaced by A.
Molecular consequence: intron variant.
Genome position (GRCh38, 1-based): chr12:51,920,631, G>A. VCF-style: chr12-51920631-G-A. GRCh37 (hg19) VCF-style: chr12-52314415-G-A.
Other names: c.1378-128G>A (NM_001406487.1, NM_001077401.2); c.1066-128G>A (NM_001406491.1, NM_001406492.1); c.1222-128G>A (NM_001406490.1); c.868-128G>A (NM_001406494.1); c.814-128G>A (NM_001406495.1).
Identifiers: ClinVar variation 3031417 (VCV003031417.2), dbSNP rs999896486, ClinGen allele CA236367598.
Genomic context (GRCh38, chr12:51,920,631, plus strand): 5'-CCAATGCTCTCATCTCCCTCCTCTCATCCTTTCTCTCCTGCTTATGTCTCCCCATTACCG[G>A]CCATCCTCCTCATCTTCTTCCCATCTTCTCTGACCCACCTCCCTCTGCATCTCTCTCCCG-3'

ClinVar aggregate classification (germline): Likely benign (0 of 4 stars; one submission).

Conditions:
ACVRL1-related disorder. Also called: ACVRL1-related condition; ACVRL1-related disorders.

Allele frequency attached by ClinVar (database versions not stated): TOPMed 0.00012; gnomAD exomes 0.00020.
gnomAD v4.1: 206 of 1,036,638 alleles (0.02%); highest among the groups gnomAD compares: South Asian, 0.04%; no homozygotes.

Submission:

PreventionGenetics, part of Exact Sciences
Classification: Likely benign for ACVRL1-related condition. Last evaluated: 2022-09-27. Review status: no assertion criteria provided. Collection method: clinical testing. Allele origin: germline.
Comment: This variant is classified as likely benign based on ACMG/AMP sequence variant interpretation guidelines (Richards et al. 2015 PMID: 25741868, with internal and published modifications).